The following is an entry in ClinVar:

NM_000562.3(C8A):c.756C>T (p.Ile252=)

Gene: C8A (complement C8 alpha chain; plus strand). Cytogenetic location: 1p32.2.
Variant type: single nucleotide variant.
Coding change: c.756C>T on transcript NM_000562.3 (MANE Select); coding-DNA position 756, C replaced by T.
Protein change: p.Ile252=; no amino-acid change (isoleucine 252 retained).
Molecular consequence: synonymous variant.
Genome position (GRCh38, 1-based): chr1:56,883,582, C>T. VCF-style: chr1-56883582-C-T. GRCh37 (hg19) VCF-style: chr1-57349255-C-T.
Identifiers: ClinVar variation 2979992 (VCV002979992.4), dbSNP rs770292474, ClinGen allele CA875151.
Genomic context (GRCh38, chr1:56,883,582, plus strand): 5'-TGCAAATGACCTTCTTTCCAAAGTTAAAAAAGACAAGTCTGACTCATTTGGAGTGACCAT[C>T]GGCATAGGCCCAGCCGGCAGCCCTTTATTGGTGGGTGTAGGTGTATCCCACTCACAAGAC-3'
Protein context (NP_000553.1, residues 242-262): KDKSDSFGVT[Ile252=]GIGPAGSPLL

ClinVar aggregate classification (germline): Likely benign. Review status: criteria provided, single submitter (1 of 4 stars). 2 submissions from 2 submitters: Likely benign (1). 1 of the submissions does not count toward it. Last evaluated 2023-02-18.

Conditions:
C8A-related disorder. Also called: C8A-related condition.

Allele frequency attached by ClinVar (database versions not stated): ExAC 0.00001; gnomAD 0.00002; gnomAD exomes 0.00002; TOPMed 0.00002.
gnomAD v4.1: 28 of 1,613,738 alleles (0.0017%); highest among the groups gnomAD compares: African/African-American, 0.016%; no homozygotes.

Submissions (2):

Labcorp Genetics (formerly Invitae), Labcorp
Classification: Likely benign. Last evaluated: 2023-02-18. Review status: criteria provided, single submitter. Criteria: Invitae Variant Classification Sherloc (09022015). Collection method: clinical testing. Allele origin: germline.

PreventionGenetics, part of Exact Sciences
Classification: Likely benign for C8A-related condition. Last evaluated: 2019-09-17. Review status: no assertion criteria provided. Collection method: clinical testing. Allele origin: germline. Not counted in ClinVar's aggregate classification.
Comment: This variant is classified as likely benign based on ACMG/AMP sequence variant interpretation guidelines (Richards et al. 2015 PMID: 25741868, with internal and published modifications).